The following is an entry in ClinVar:

NM_001386298.1(CIC):c.3329G>A (p.Arg1110Gln)

Gene: CIC (capicua transcriptional repressor; plus strand). Cytogenetic location: 19q13.2.
Variant type: single nucleotide variant.
Coding change: c.3329G>A on transcript NM_001386298.1 (MANE Select); coding-DNA position 3329, G replaced by A.
Protein change: p.Arg1110Gln; replaces arginine 1110 with glutamine.
Molecular consequence: missense variant.
Genome position (GRCh38, 1-based): chr19:42,287,564, G>A. VCF-style: chr19-42287564-G-A. GRCh37 (hg19) VCF-style: chr19-42791716-G-A.
Other names: c.3329G>A, p.Arg1110Gln (NM_001304815.2, NM_001379480.1, NM_001379482.1); c.602G>A, p.Arg201Gln (NM_001379484.1, NM_001379485.1, NM_015125.5); short protein forms R1110Q, R201Q.
Identifiers: ClinVar variation 3345909 (VCV003345909.1).
Genomic context (GRCh38, chr19:42,287,564, plus strand): 5'-CCAGGTCCTAACTGTCCCGCTCTGGGCTGTGTTTAATGCAGCGGGAGAAGGACCACATCC[G>A]GCGGCCCATGAATGCCTTCATGATCTTCAGCAAGCGGCACCGGGCCCTGGTCCACCAGCG-3'
Protein context (NP_001373227.1, residues 1100-1120): SPNKREKDHI[Arg1110Gln]RPMNAFMIFS

ClinVar aggregate classification (germline): Uncertain significance (0 of 4 stars; one submission).

Conditions:
CIC-related disorder. Also called: CIC-related condition.

Submission:

PreventionGenetics, part of Exact Sciences
Classification: Uncertain significance for CIC-related condition. Last evaluated: 2024-09-18. Review status: no assertion criteria provided. Collection method: clinical testing. Allele origin: germline.
Comment: The CIC c.602G>A variant is predicted to result in the amino acid substitution p.Arg201Gln. To our knowledge, this variant has not been reported in the literature or in a large population database, indicating this variant is rare. At this time, the clinical significance of this variant is uncertain due to the absence of conclusive functional and genetic evidence.